The following is an entry in ClinVar:

ClinVar aggregate classification (germline): Uncertain significance (1 of 4 stars; one submission).

Conditions:
Charcot-Marie-Tooth disease type 2. Also called: Charcot-Marie-Tooth type 2. Identifiers: Orphanet 64746, MedGen C0270914, MONDO:0018993.

gnomAD v4.1: 2 of 1,613,982 alleles (0.00012%); highest among the groups gnomAD compares: African/African-American, 0.0027%; no homozygotes.

Submission:

Labcorp Genetics (formerly Invitae), Labcorp
Classification: Uncertain significance for Charcot-Marie-Tooth disease type 2. Last evaluated: 2025-03-30. Review status: criteria provided, single submitter. Criteria: Invitae Variant Classification Sherloc (09022015). Collection method: clinical testing. Allele origin: germline.
Comment: This sequence change replaces aspartic acid, which is acidic and polar, with histidine, which is basic and polar, at codon 173 of the AARS protein (p.Asp173His). This variant is not present in population databases (gnomAD no frequency). This variant has not been reported in the literature in individuals affected with AARS-related conditions. Invitae Evidence Modeling of protein sequence and biophysical properties (such as structural, functional, and spatial information, amino acid conservation, physicochemical variation, residue mobility, and thermodynamic stability) has been performed for this missense variant. However, the output from this modeling did not meet the statistical confidence thresholds required to predict the impact of this variant on AARS protein function. In summary, the available evidence is currently insufficient to determine the role of this variant in disease. Therefore, it has been classified as a Variant of Uncertain Significance.

NM_001605.3(AARS1):c.517G>C (p.Asp173His)

Gene: AARS1 (alanyl-tRNA synthetase 1; minus strand). Cytogenetic location: 16q22.1.
Variant type: single nucleotide variant.
Coding change: c.517G>C on transcript NM_001605.3 (MANE Select); coding-DNA position 517, G replaced by C.
Protein change: p.Asp173His; replaces aspartic acid 173 with histidine.
Molecular consequence: missense variant.
Genome position (GRCh38, 1-based): chr16:70,271,935, C>G on the plus strand (G>C on the coding strand, the complement: AARS1 is on the minus strand). VCF-style: chr16-70271935-C-G. GRCh37 (hg19) VCF-style: chr16-70305838-C-G.
Other names: short protein forms D173H.
Identifiers: ClinVar variation 4781856 (VCV004781856.1).